The following is an entry in ClinVar:

ClinVar aggregate classification (germline): Uncertain significance (1 of 4 stars; one submission).

Conditions:
Epileptic encephalopathy. Identifiers: MedGen C0543888, HP:0200134.

Allele frequency attached by ClinVar (database versions not stated): ExAC 0.00001; gnomAD exomes 0.00002 and 0.00005; gnomAD 0.00003 and 0.00004; TOPMed 0.00007.
gnomAD v4.1: 84 of 1,611,446 alleles (0.0052%); highest among the groups gnomAD compares: East Asian, 0.0067%; no homozygotes.

Submission:

Labcorp Genetics (formerly Invitae), Labcorp
Classification: Uncertain significance for Epileptic encephalopathy. Last evaluated: 2024-11-05. Review status: criteria provided, single submitter. Criteria: Invitae Variant Classification Sherloc (09022015). Collection method: clinical testing. Allele origin: germline.
Comment: This sequence change replaces alanine, which is neutral and non-polar, with threonine, which is neutral and polar, at codon 1132 of the FASN protein (p.Ala1132Thr). This variant is present in population databases (rs780758635, gnomAD 0.004%). This variant has not been reported in the literature in individuals affected with FASN-related conditions. ClinVar contains an entry for this variant (Variation ID: 971370). An algorithm developed to predict the effect of missense changes on protein structure and function outputs the following: PolyPhen-2: "Benign". The threonine amino acid residue is found in multiple mammalian species, which suggests that this missense change does not adversely affect protein function. In summary, the available evidence is currently insufficient to determine the role of this variant in disease. Therefore, it has been classified as a Variant of Uncertain Significance.

NM_004104.5(FASN):c.3394G>A (p.Ala1132Thr)

Gene: FASN (fatty acid synthase; minus strand). Cytogenetic location: 17q25.3.
Variant type: single nucleotide variant.
Coding change: c.3394G>A on transcript NM_004104.5 (MANE Select); coding-DNA position 3394, G replaced by A.
Protein change: p.Ala1132Thr; replaces alanine 1132 with threonine.
Molecular consequence: missense variant.
Genome position (GRCh38, 1-based): chr17:82,087,083, C>T on the plus strand (G>A on the coding strand, the complement: FASN is on the minus strand). VCF-style: chr17-82087083-C-T. GRCh37 (hg19) VCF-style: chr17-80044959-C-T.
Other names: short protein forms A1132T.
Identifiers: ClinVar variation 971370 (VCV000971370.7), dbSNP rs780758635, ClinGen allele CA8852402.